The following is an entry in ClinVar:

NM_000441.2(SLC26A4):c.1734TAA[1] (p.Asn579del)

Gene: SLC26A4 (solute carrier family 26 member 4; plus strand). Cytogenetic location: 7q22.3.
Variant type: Microsatellite.
Coding change: c.1734TAA[1] on transcript NM_000441.2 (MANE Select); one copy of the 3-base unit TAA starting at c.1734; the reference has two copies in a row; one copy, 3 bases deleted.
Protein change: p.Asn579del; deletes asparagine 579.
Molecular consequence: inframe deletion.
Genome position (GRCh38, 1-based): chr7:107,701,130-107,701,132, TAA deleted; deleting any 3 consecutive bases within chr7:107,701,126-107,701,132 gives the same sequence; the position shown is the placement nearest the transcript's 3' end. VCF-style (leftmost placement, unchanged base first): chr7-107701125-TATA-T. GRCh37 (hg19) VCF-style: chr7-107341570-TATA-T.
Other names: short protein forms N579del.
Identifiers: ClinVar variation 2577641 (VCV002577641.1), dbSNP rs776068119, ClinGen allele CA4432935.
Genomic context (GRCh38, chr7:107,701,125, plus strand): 5'-CAGGCATTTTAAGTAACTTGACATTTATTTCCAAAGGTTGGATTTGATGCCATTAGAGTA[TATA>T]ATAAGAGGCTGAAAGCGCTGAGGAAAATACAGAAACTAATAAAAAGTGGACAATTAAGAG-3'

ClinVar aggregate classification (germline): Likely pathogenic (1 of 4 stars; one submission).

Submission:

GeneDx
Classification: Likely pathogenic. Last evaluated: 2023-03-01. Review status: criteria provided, single submitter. Criteria: GeneDx Variant Classification Process June 2021. Collection method: clinical testing. Allele origin: germline. Affected: yes.
Comment: Reported in a patient with hearing loss in published literature (Yuan et al., 2012); patient-level clinical information is limited; In-frame deletion of 1 amino acids in a non-repeat region; Not observed at significant frequency in large population cohorts (gnomAD); In silico analysis supports a deleterious effect on protein structure/function; This variant is associated with the following publications: (PMID: 19954013, 23185506)